The following is an entry in ClinVar:

ClinVar aggregate classification (germline): Likely benign. Review status: criteria provided, multiple submitters, no conflicts (2 of 4 stars). 2 submissions from 2 submitters: Likely benign (2). Last evaluated 2018-01-12.

Conditions:
Leber congenital amaurosis 12 (LCA12). Identifiers: Orphanet 65, MedGen C1857743, MONDO:0012525, OMIM 610612.

Allele frequency attached by ClinVar (database versions not stated): gnomAD exomes 0.00400; 1000 Genomes Project 0.01238; gnomAD 0.01335 and 0.01269; 1000 Genomes Project 30x 0.01280; TOPMed 0.01432.

Submissions (2):

Illumina Laboratory Services, Illumina
Classification: Likely benign for Leber congenital amaurosis 12. Last evaluated: 2018-01-12. Review status: criteria provided, single submitter. Criteria: ICSL Variant Classification Criteria 13 December 2019. Collection method: clinical testing. Allele origin: germline.
Comment: This variant was observed in the ICSL laboratory as part of a predisposition screen in an ostensibly healthy population. It had not been previously curated by ICSL or reported in the Human Gene Mutation Database (HGMD: prior to June 1st, 2018), and was therefore a candidate for classification through an automated scoring system. Utilizing variant allele frequency, disease prevalence and penetrance estimates, and inheritance mode, an automated score was calculated to assess if this variant is too frequent to cause the disease. Based on the score and internal cut-off values, a variant classified as likely benign is not then subjected to further curation. The score for this variant resulted in a classification of likely benign for this disease.

Breakthrough Genomics
Classification: Likely benign. Review status: criteria provided, single submitter. Criteria: ACMG Guidelines, 2015. Collection method: not provided. Allele origin: germline. Inheritance: Autosomal recessive inheritance. Affected: yes.

NM_183059.2(RD3):c.-516T>G

Gene: RD3 (RD3 regulator of GUCY2D; minus strand). Cytogenetic location: 1q32.3.
Variant type: single nucleotide variant.
Coding change: c.-516T>G on transcript NM_183059.2; 516 bases upstream of the start codon, T replaced by G.
Genome position (GRCh38, 1-based): chr1:211,492,269, A>C on the plus strand (T>G on the coding strand, the complement: RD3 is on the minus strand). VCF-style: chr1-211492269-A-C. GRCh37 (hg19) VCF-style: chr1-211665611-A-C.
Identifiers: ClinVar variation 873822 (VCV000873822.7), dbSNP rs73069876, ClinGen allele CA37187887.